The following is an entry in ClinVar:

ClinVar aggregate classification (germline): Uncertain significance (1 of 4 stars; one submission).

Conditions:
DYRK1A-related intellectual disability syndrome (MRD7). Also called: Intellectual developmental disorder, autosomal dominant 7; DYRK1A Syndrome. Identifiers: Orphanet 464306, MedGen C5568143, MONDO:0013578, OMIM 614104.

Submission:

Labcorp Genetics (formerly Invitae), Labcorp
Classification: Uncertain significance for DYRK1A-related intellectual disability syndrome. Last evaluated: 2023-08-25. Review status: criteria provided, single submitter. Criteria: Invitae Variant Classification Sherloc (09022015). Collection method: clinical testing. Allele origin: germline.
Comment: This sequence change replaces valine, which is neutral and non-polar, with isoleucine, which is neutral and non-polar, at codon 367 of the DYRK1A protein (p.Val367Ile). This variant is not present in population databases (gnomAD no frequency). This variant has not been reported in the literature in individuals affected with DYRK1A-related conditions. An algorithm developed to predict the effect of missense changes on protein structure and function (PolyPhen-2) suggests that this variant is likely to be tolerated. In summary, the available evidence is currently insufficient to determine the role of this variant in disease. Therefore, it has been classified as a Variant of Uncertain Significance.

NM_001347721.2(DYRK1A):c.1072G>A (p.Val358Ile)

Gene: DYRK1A (dual specificity tyrosine phosphorylation regulated kinase 1A; plus strand). Cytogenetic location: 21q22.13.
Variant type: single nucleotide variant.
Coding change: c.1072G>A on transcript NM_001347721.2 (MANE Select); coding-DNA position 1072, G replaced by A.
Protein change: p.Val358Ile; replaces valine 358 with isoleucine.
Molecular consequence: missense variant.
Genome position (GRCh38, 1-based): chr21:37,496,118, G>A. VCF-style: chr21-37496118-G-A. GRCh37 (hg19) VCF-style: chr21-38868420-G-A.
Other names: c.1072G>A, p.Val358Ile (NM_001347722.2, NM_130436.2); c.985G>A, p.Val329Ile (NM_001347723.2); c.1099G>A, p.Val367Ile (NM_001396.5, NM_101395.2, NM_130438.2); short protein forms V329I, V358I, V367I.
Identifiers: ClinVar variation 2753013 (VCV002753013.3), dbSNP rs2518048067, ClinGen allele CA409936703.
Genomic context (GRCh38, chr21:37,496,118, plus strand): 5'-TGAGCAGGAGTAGATGTACAGTAGAAATTACAGGTTTTGTTGTTTTTATTTTTAATACAG[G>A]TAGATCAGATGAATAAAATAGTGGAAGTTCTGGGTATTCCACCTGCTCATATTCTTGACC-3'
Protein context (NP_001334650.1, residues 348-368): GEPLFSGANE[Val358Ile]DQMNKIVEVL